The following is an entry in ClinVar:

ClinVar aggregate classification (germline): Likely pathogenic (1 of 4 stars; one submission).

Allele frequency attached by ClinVar (database versions not stated): TOPMed 0.00001.

Submission:

Labcorp Genetics (formerly Invitae), Labcorp
Classification: Likely pathogenic. Last evaluated: 2023-01-22. Review status: criteria provided, single submitter. Criteria: Invitae Variant Classification Sherloc (09022015). Collection method: clinical testing. Allele origin: germline.
Comment: This sequence change affects a donor splice site in intron 1 of the LHX3 gene. It is expected to disrupt RNA splicing. Variants that disrupt the donor or acceptor splice site typically lead to a loss of protein function (PMID: 16199547), and loss-of-function variants in LHX3 are known to be pathogenic (PMID: 16394081, 18407919). In summary, the currently available evidence indicates that the variant is pathogenic, but additional data are needed to prove that conclusively. Therefore, this variant has been classified as Likely Pathogenic. Algorithms developed to predict the effect of sequence changes on RNA splicing suggest that this variant may disrupt the consensus splice site. ClinVar contains an entry for this variant (Variation ID: 1494222). This variant has not been reported in the literature in individuals affected with LHX3-related conditions. This variant is not present in population databases (gnomAD no frequency).

Literature cited by the submitters: PubMed 16199547; PubMed 16394081; PubMed 18407919.

NM_178138.6(LHX3):c.79+1990T>G

Gene: LHX3 (LIM homeobox 3; minus strand). Cytogenetic location: 9q34.3.
Variant type: single nucleotide variant.
Coding change: c.79+1990T>G on transcript NM_178138.6 (MANE Select); 1990 bases into the intron after coding-DNA position 79, T replaced by G.
Molecular consequence: intron variant. On other transcripts: splice donor variant (1).
Genome position (GRCh38, 1-based): chr9:136,202,944, A>C on the plus strand (T>G on the coding strand, the complement: LHX3 is on the minus strand). VCF-style: chr9-136202944-A-C. GRCh37 (hg19) VCF-style: chr9-139094790-A-C.
Other names: c.94+2T>G (NM_014564.5).
Identifiers: ClinVar variation 1494222 (VCV001494222.6), dbSNP rs1831680321, ClinGen allele CA375521400.
Genomic context (GRCh38, chr9:136,202,944, plus strand): 5'-GCCCGGAAAGGCCTGAGGATCTCCTGGTCTCCCCGGTGCAGCCACTCGGCCCGGGCACCC[A>C]CCTCGGCGCAGGTCCGCCCTCCGCGCCAGCAGTGCTAGCAGCAGGTCGCCTCCCGCCGAC-3'